The following is an entry in ClinVar:

ClinVar aggregate classification (germline): Pathogenic (1 of 4 stars; one submission).

Conditions:
Mucopolysaccharidosis type 1. Also called: IDUA deficiency; MPS I; Mucopolysaccharidosis Type I. Identifiers: Orphanet 579, MedGen C0023786, MONDO:0001586.

Submission:

Myriad Genetics, Inc.
Classification: Pathogenic for Mucopolysaccharidosis type 1. Last evaluated: 2023-09-27. Review status: criteria provided, single submitter. Criteria: Myriad Autosomal Dominant, Autosomal Recessive and X-Linked Classification Criteria (2023). Collection method: clinical testing. Allele origin: unknown.
Comment: NM_000203.3(IDUA):c.1531dupG(V511Gfs*61) is expected to be pathogenic in the context of mucopolysaccharidosis type I. This variant is predicted to lead to an abnormal or absent protein product due to the creation of a premature termination codon in IDUA, a gene where loss-of-function variants are known to be pathogenic. Please note: this variant was assessed in the context of healthy population screening.

NM_000203.5(IDUA):c.1531dup (p.Val511fs)

Gene: IDUA (alpha-L-iduronidase; plus strand). Cytogenetic location: 4p16.3.
Variant type: Duplication.
Coding change: c.1531dup on transcript NM_000203.5 (MANE Select); coding-DNA position 1531, one base duplicated (G; older notation c.1531dupG).
Protein change: p.Val511fs; shifts the reading frame from valine 511.
Molecular consequence: frameshift variant. On other transcripts: non-coding transcript variant (1).
Genome position (GRCh38, 1-based): chr4:1,003,351, G duplicated; the last of 2 consecutive G bases (chr4:1,003,350-1,003,351); duplicating either gives the same sequence. VCF-style (leftmost placement, unchanged base first): chr4-1003349-C-CG. GRCh37 (hg19) VCF-style: chr4-997137-C-CG.
Other names: c.1135dup, p.Val379fs (NM_001363576.1); short protein forms V379fs, V511fs.
Identifiers: ClinVar variation 5011905 (VCV005011905.1).